The following is an entry in ClinVar:

NM_000051.4(ATM):c.6573-11G>C

Genes: ATM (ATM serine/threonine kinase; plus strand), C11orf65 (chromosome 11 open reading frame 65; minus strand). Cytogenetic location: 11q22.3.
Variant type: single nucleotide variant.
Coding change: c.6573-11G>C on transcript NM_000051.4 (MANE Select); 11 bases into the intron before coding-DNA position 6573, G replaced by C.
Molecular consequence: intron variant.
Genome position (GRCh38, 1-based): chr11:108,325,299, G>C. VCF-style: chr11-108325299-G-C. GRCh37 (hg19) VCF-style: chr11-108196026-G-C.
Other names: c.641-16228C>G (NM_001330368.2); c.*38+9921C>G (NM_001351110.2); c.6573-11G>C (NM_001351834.2).
Identifiers: ClinVar variation 3254267 (VCV003254267.1), dbSNP rs375599653.

ClinVar aggregate classification (germline): Likely benign. Review status: criteria provided, multiple submitters, no conflicts (2 of 4 stars). 2 submissions from 2 submitters: Likely benign (2). Last evaluated 2026-01-07.

Conditions:
Ataxia-telangiectasia syndrome (AT). Also called: Ataxia-telangiectasia; Ataxia-telangiectasia, complementation group D; AT, COMPLEMENTATION GROUP C; Ataxia-telangiectasia, complementation group E; LOUIS-BAR SYNDROME; Cerebello-oculocutaneous telangiectasia. Identifiers: Orphanet 100, MedGen C0004135, MONDO:0008840, OMIM 208900.
Familial cancer of breast. Also called: hereditary breast carcinoma; BREAST CANCER, FAMILIAL; Hereditary breast cancer. Identifiers: Orphanet 227535, MedGen C0346153, MONDO:0016419, OMIM 114480. Disease mechanism: loss of function.

Submissions (2):

Labcorp Genetics (formerly Invitae), Labcorp
Classification: Likely benign for Ataxia-telangiectasia syndrome. Last evaluated: 2026-01-07. Review status: criteria provided, single submitter. Criteria: Invitae Variant Classification Sherloc (09022015). Collection method: clinical testing. Allele origin: germline.

Myriad Genetics, Inc.
Classification: Likely benign for Familial cancer of breast. Last evaluated: 2024-06-07. Review status: criteria provided, single submitter. Criteria: Myriad Autosomal Dominant, Autosomal Recessive and X-Linked Classification Criteria (2023). Collection method: clinical testing. Allele origin: unknown.
Comment: This variant is considered likely benign. This variant is intronic and is not expected to impact mRNA splicing.